The following is an entry in ClinVar:

NM_001130987.2(DYSF):c.3398C>T (p.Ala1133Val)

Gene: DYSF (dysferlin; plus strand). Cytogenetic location: 2p13.2.
Variant type: single nucleotide variant.
Coding change: c.3398C>T on transcript NM_001130987.2 (MANE Select); coding-DNA position 3398, C replaced by T.
Protein change: p.Ala1133Val; replaces alanine 1133 with valine.
Molecular consequence: missense variant.
Genome position (GRCh38, 1-based): chr2:71,574,367, C>T. VCF-style: chr2-71574367-C-T. GRCh37 (hg19) VCF-style: chr2-71801497-C-T.
Other names: c.3347C>T, p.Ala1116Val (NM_001130455.2, NM_001130983.2); c.3302C>T, p.Ala1101Val (NM_001130976.2, NM_001130977.2); c.3344C>T, p.Ala1115Val (NM_001130978.2, NM_003494.4); c.3437C>T, p.Ala1146Val (NM_001130979.2); c.3395C>T, p.Ala1132Val (NM_001130980.2, NM_001130981.2); c.3440C>T, p.Ala1147Val (NM_001130982.2); c.3305C>T, p.Ala1102Val (NM_001130984.2, NM_001130986.2); c.3398C>T, p.Ala1133Val (NM_001130985.2); short protein forms A1115V, A1133V, A1102V, A1146V, A1116V, A1101V, A1132V, A1147V.
Identifiers: ClinVar variation 1937433 (VCV001937433.5), dbSNP rs1158824940, ClinGen allele CA347218587.

ClinVar aggregate classification (germline): Uncertain significance (1 of 4 stars; one submission).

Conditions:
Neuromuscular disease caused by qualitative or quantitative defects of dysferlin. Also called: Qualitative or quantitative defects of dysferlin; Dysferlinopathy. Identifiers: Orphanet 207073, MedGen C2931687, MONDO:0016145.

Submission:

Labcorp Genetics (formerly Invitae), Labcorp
Classification: Uncertain significance for Neuromuscular disease caused by qualitative or quantitative defects of dysferlin. Last evaluated: 2022-10-17. Review status: criteria provided, single submitter. Criteria: Invitae Variant Classification Sherloc (09022015). Collection method: clinical testing. Allele origin: germline.
Comment: Advanced modeling of protein sequence and biophysical properties (such as structural, functional, and spatial information, amino acid conservation, physicochemical variation, residue mobility, and thermodynamic stability) performed at Invitae indicates that this missense variant is not expected to disrupt DYSF protein function. In summary, the available evidence is currently insufficient to determine the role of this variant in disease. Therefore, it has been classified as a Variant of Uncertain Significance. This variant has not been reported in the literature in individuals affected with DYSF-related conditions. This sequence change replaces alanine, which is neutral and non-polar, with valine, which is neutral and non-polar, at codon 1115 of the DYSF protein (p.Ala1115Val). This variant is not present in population databases (gnomAD no frequency).